The following is an entry in ClinVar:

NM_139285.4(GAS2L2):c.2271G>A (p.Lys757=)

Gene: GAS2L2 (growth arrest specific 2 like 2; minus strand). Cytogenetic location: 17q12.
Variant type: single nucleotide variant.
Coding change: c.2271G>A on transcript NM_139285.4 (MANE Select); coding-DNA position 2271, G replaced by A.
Protein change: p.Lys757=; no amino-acid change (lysine 757 retained).
Molecular consequence: synonymous variant.
Genome position (GRCh38, 1-based): chr17:35,745,226, C>T on the plus strand (G>A on the coding strand, the complement: GAS2L2 is on the minus strand). VCF-style: chr17-35745226-C-T. GRCh37 (hg19) VCF-style: chr17-34072245-C-T.
Identifiers: ClinVar variation 3057086 (VCV003057086.3), dbSNP rs114664198, ClinGen allele CA8505891.

ClinVar aggregate classification (germline): Likely benign. Review status: criteria provided, single submitter (1 of 4 stars). 2 submissions from 2 submitters: Likely benign (1). 1 of the submissions does not count toward it. Last evaluated 2024-09-23.

Conditions:
GAS2L2-related disorder. Also called: GAS2L2-related condition.

Allele frequency attached by ClinVar (database versions not stated): gnomAD exomes 0.00070; ExAC 0.00219; gnomAD 0.00636; TOPMed 0.00755; 1000 Genomes Project 0.00759; 1000 Genomes Project 30x 0.00812; ESP Exome Variant Server 0.00846.

Submissions (2):

Blueprint Genetics
Classification: Likely benign. Last evaluated: 2024-09-23. Review status: criteria provided, single submitter. Criteria: ACMG Guidelines, 2015. Collection method: clinical testing. Allele origin: germline.

PreventionGenetics, part of Exact Sciences
Classification: Benign for GAS2L2-related condition. Last evaluated: 2019-11-16. Review status: no assertion criteria provided. Collection method: clinical testing. Allele origin: germline. Not counted in ClinVar's aggregate classification.
Comment: This variant is classified as benign based on ACMG/AMP sequence variant interpretation guidelines (Richards et al. 2015 PMID: 25741868, with internal and published modifications).